The following is an entry in ClinVar:

NM_001009944.3(PKD1):c.8977C>T (p.Leu2993=)

Gene: PKD1 (polycystin 1, transient receptor potential channel interacting; minus strand). Cytogenetic location: 16p13.3.
Variant type: single nucleotide variant.
Coding change: c.8977C>T on transcript NM_001009944.3 (MANE Select); coding-DNA position 8977, C replaced by T.
Protein change: p.Leu2993=; no amino-acid change (leucine 2993 retained).
Molecular consequence: synonymous variant.
Genome position (GRCh38, 1-based): chr16:2,102,605, G>A on the plus strand (C>T on the coding strand, the complement: PKD1 is on the minus strand). VCF-style: chr16-2102605-G-A. GRCh37 (hg19) VCF-style: chr16-2152606-G-A.
Other names: c.8977C>T, p.Leu2993= (NM_000296.4).
Identifiers: ClinVar variation 3033210 (VCV003033210.2), dbSNP rs1365636314, ClinGen allele CA493046179.

ClinVar aggregate classification (germline): Likely benign (0 of 4 stars; one submission).

Conditions:
PKD1-related disorder. Also called: PKD1-related condition.

Allele frequency attached by ClinVar (database versions not stated): gnomAD exomes below 0.00001; TOPMed below 0.00001; gnomAD 0.00001.
gnomAD v4.1: 6 of 1,611,114 alleles (0.00037%); highest among the groups gnomAD compares: Non-Finnish European, 0.00051%; no homozygotes.

Submission:

PreventionGenetics, part of Exact Sciences
Classification: Likely benign for PKD1-related condition. Last evaluated: 2019-06-17. Review status: no assertion criteria provided. Collection method: clinical testing. Allele origin: germline.
Comment: This variant is classified as likely benign based on ACMG/AMP sequence variant interpretation guidelines (Richards et al. 2015 PMID: 25741868, with internal and published modifications).